The following is an entry in ClinVar:

ClinVar aggregate classification (germline): Uncertain significance. Review status: criteria provided, multiple submitters, no conflicts (2 of 4 stars). 2 submissions from 2 submitters: Uncertain significance (2). Last evaluated 2026-03-26.

Conditions:
EHHADH-related disorder. Also called: EHHADH-related condition.

gnomAD v4.1: 78 of 1,607,712 alleles (0.0049%); highest among the groups gnomAD compares: Non-Finnish European, 0.0064%; no homozygotes.

Submissions (2):

PreventionGenetics, part of Exact Sciences
Classification: Uncertain significance for EHHADH-related condition. Last evaluated: 2026-03-26. Review status: criteria provided, single submitter. Criteria: ACMG Guidelines, 2015. Collection method: clinical testing. Allele origin: germline.
Comment: The EHHADH c.536A>G variant is predicted to result in the amino acid substitution p.Glu179Gly. To our knowledge, this variant has not been reported in the literature. This variant is reported in 0.0035% of alleles in individuals of European (Non-Finnish) descent in gnomAD. At this time, the clinical significance of this variant is uncertain due to the absence of conclusive functional and genetic evidence.

Ambry Genetics
Classification: Uncertain significance. Last evaluated: 2025-12-04. Review status: criteria provided, single submitter. Criteria: Ambry Variant Classification Scheme 2023. Collection method: clinical testing. Allele origin: germline.

NM_001966.4(EHHADH):c.536A>G (p.Glu179Gly)

Gene: EHHADH (enoyl-CoA hydratase and 3-hydroxyacyl CoA dehydrogenase; minus strand). Cytogenetic location: 3q27.2.
Variant type: single nucleotide variant.
Coding change: c.536A>G on transcript NM_001966.4 (MANE Select); coding-DNA position 536, A replaced by G.
Protein change: p.Glu179Gly; replaces glutamic acid 179 with glycine.
Molecular consequence: missense variant.
Genome position (GRCh38, 1-based): chr3:185,218,168, T>C on the plus strand (A>G on the coding strand, the complement: EHHADH is on the minus strand). VCF-style: chr3-185218168-T-C. GRCh37 (hg19) VCF-style: chr3-184935956-T-C.
Other names: c.248A>G, p.Glu83Gly (NM_001166415.2); short protein forms E83G, E179G.
Identifiers: ClinVar variation 4663528 (VCV004663528.2).
Genomic context (GRCh38, chr3:185,218,168, plus strand): 5'-TTGGCTATTTTTATTATTATCTTCTTACCTGAAACTCTCTGAGCAAATCTGATTGCTTCT[T>C]CAACCGGGTCTGAGTTTACAACTTTATCTAGAATGCCCAGCTTGAGTGCTTCATCTGCTA-3'
Protein context (NP_001957.2, residues 169-189): LDKVVNSDPV[Glu179Gly]EAIRFAQRVS